The following is an entry in ClinVar:

NC_000009.11:g.(?_370210)_(464219_?)dup

Gene: DOCK8 (dedicator of cytokinesis 8; plus strand). Cytogenetic location: 9p24.3.
Variant type: Duplication.
Identifiers: ClinVar variation 1377199 (VCV001377199.9).

ClinVar aggregate classification (germline): Uncertain significance (1 of 4 stars; one submission).

Conditions:
Hyper-IgE recurrent infection syndrome 3, autosomal recessive. Also called: Autosomal recessive hyper-IgE syndrome due to ZNF341 deficiency; HYPER-IgE SYNDROME 3, AUTOSOMAL RECESSIVE, WITH RECURRENT INFECTIONS. Identifiers: Orphanet 641368, MedGen C4748969, MONDO:0032654, OMIM 618282.

Submission:

Labcorp Genetics (formerly Invitae), Labcorp
Classification: Uncertain significance for Combined immunodeficiency due to DOCK8 deficiency. Last evaluated: 2022-07-18. Review status: criteria provided, single submitter. Criteria: Invitae Variant Classification Sherloc (09022015). Collection method: clinical testing. Allele origin: germline.
Comment: In summary, the available evidence is currently insufficient to determine the role of this variant in disease. Therefore, it has been classified as a Variant of Uncertain Significance. Experimental studies and prediction algorithms are not available or were not evaluated, and the functional significance of this variant is currently unknown. This variant has not been reported in the literature in individuals affected with DOCK8-related conditions. This variant results in a copy number gain of the genomic region encompassing exon(s) 16-48 of the DOCK8 gene. This region includes the termination codon of the gene. This copy number gain extends beyond the assayed region for this gene and therefore may encompass additional genes. As the precise location of this event is unknown, it may be in tandem or it may be located elsewhere in the genome.